The following is an entry in ClinVar:

NM_012154.5(AGO2):c.575T>C (p.Leu192Pro)

Genes: AGO2 (argonaute RISC catalytic component 2; minus strand), LOC126860545 (MED14-independent group 3 enhancer GRCh37_chr8:141569579-141570778; plus strand). Cytogenetic location: 8q24.3.
Variant type: single nucleotide variant.
Coding change: c.575T>C on transcript NM_012154.5 (MANE Select); coding-DNA position 575, T replaced by C.
Protein change: p.Leu192Pro; replaces leucine 192 with proline.
Molecular consequence: missense variant.
Genome position (GRCh38, 1-based): chr8:140,560,454, A>G on the plus strand (T>C on the coding strand, the complement: AGO2 is on the minus strand). VCF-style: chr8-140560454-A-G. GRCh37 (hg19) VCF-style: chr8-141570553-A-G.
Other names: L192P; c.575T>C, p.Leu192Pro (NM_001164623.3).
Identifiers: ClinVar variation 995791 (VCV000995791.2), dbSNP rs2073179658, ClinGen allele CA372323804.
Genomic context (GRCh38, chr8:140,560,454, plus strand): 5'-TTCCAGAGAGAAGGCCGGACGGACTGATGGAAGCCAAACCACACTTCTCGGCCCCCGCCA[A>G]GAGGGTTAGAGCAGCCTTCGGACGCGGTGAAGAAGGAGCGGCCCACGGGGGTGTACCTGG-3'
Protein context (NP_036286.2, residues 182-202): FTASEGCSNP[Leu192Pro]GGGREVWFGF

ClinVar aggregate classification (germline): Pathogenic. Review status: criteria provided, single submitter (1 of 4 stars). 2 submissions from 2 submitters: Pathogenic (1). 1 of the submissions does not count toward it. Last evaluated 2023-02-23.

Conditions:
Lessel-Kreienkamp syndrome. Identifiers: MedGen C5436892, MONDO:0030897, OMIM 619149.

Submissions (2):

3billion
Classification: Pathogenic for Lessel-Kreienkamp syndrome. Last evaluated: 2023-02-23. Review status: criteria provided, single submitter. Criteria: ACMG Guidelines, 2015. Collection method: clinical testing. Allele origin: unknown. Affected: yes.
Comment: The variant is not observed in the gnomAD v2.1.1 dataset. Missense changes are a common disease-causing mechanism. Functional studies provide strong evidence of the variant having a damaging effect on the gene or gene product (PMID: 33199684, 33199684). In silico tool predictions suggest damaging effect of the variant on gene or gene product (REVEL: 0.67; 3Cnet: 0.55). Same nucleotide change resulting in same amino acid change has been previously reported to be associated with AGO2 related disorder (ClinVar ID: VCV000995791 / PMID: 33199684). The variant has been previously reported as de novo in a similarly affected individual (PMID: 33199684). The variant has been observed in at least two similarly affected unrelated individuals (PMID: 33199684). Therefore, this variant is classified as Pathogenic according to the recommendation of ACMG/AMP guideline.

OMIM
Classification: Pathogenic for LESSEL-KREIENKAMP SYNDROME. Last evaluated: 2021-01-20. Review status: no assertion criteria provided. Collection method: literature only. Allele origin: germline. Not counted in ClinVar's aggregate classification.

Literature cited by the submitters: PubMed 33199684 (cited by 3billion and OMIM).